The following is an entry in ClinVar:

NM_004385.5(VCAN):c.101G>A (p.Gly34Asp)

Gene: VCAN (versican; plus strand). Cytogenetic location: 5q14.2.
Variant type: single nucleotide variant.
Coding change: c.101G>A on transcript NM_004385.5 (MANE Select); coding-DNA position 101, G replaced by A.
Protein change: p.Gly34Asp; replaces glycine 34 with aspartic acid.
Molecular consequence: missense variant.
Genome position (GRCh38, 1-based): chr5:83,490,128, G>A. VCF-style: chr5-83490128-G-A. GRCh37 (hg19) VCF-style: chr5-82785947-G-A.
Other names: c.101G>A, p.Gly34Asp (NM_001126336.3, NM_001164097.2, NM_001164098.2); short protein forms G34D.
Identifiers: ClinVar variation 3655299 (VCV003655299.2).

ClinVar aggregate classification (germline): Uncertain significance (1 of 4 stars; one submission).

Submission:

Labcorp Genetics (formerly Invitae), Labcorp
Classification: Uncertain significance. Last evaluated: 2024-06-09. Review status: criteria provided, single submitter. Criteria: Invitae Variant Classification Sherloc (09022015). Collection method: clinical testing. Allele origin: germline.
Comment: This sequence change replaces glycine, which is neutral and non-polar, with aspartic acid, which is acidic and polar, at codon 34 of the VCAN protein (p.Gly34Asp). This variant is not present in population databases (gnomAD no frequency). This variant has not been reported in the literature in individuals affected with VCAN-related conditions. An algorithm developed to predict the effect of missense changes on protein structure and function (PolyPhen-2) suggests that this variant is likely to be disruptive. In summary, the available evidence is currently insufficient to determine the role of this variant in disease. Therefore, it has been classified as a Variant of Uncertain Significance.